The following is an entry in ClinVar:

ClinVar aggregate classification (germline): Uncertain significance (1 of 4 stars; one submission).

Submission:

Ambry Genetics
Classification: Uncertain significance. Last evaluated: 2025-02-05. Review status: criteria provided, single submitter. Criteria: Ambry Variant Classification Scheme 2023. Collection method: clinical testing. Allele origin: germline.
Comment: The p.H374Y variant (also known as c.1120C>T), located in coding exon 3 of the EGLN1 gene, results from a C to T substitution at nucleotide position 1120. The histidine at codon 374 is replaced by tyrosine, an amino acid with similar properties. This amino acid position is highly conserved in available vertebrate species. In addition, this alteration is predicted to be deleterious by in silico analysis. The evidence for this gene-disease relationship is limited; therefore, the clinical significance of this alteration is unclear.

NM_022051.3(EGLN1):c.1120C>T (p.His374Tyr)

Gene: EGLN1 (egl-9 family hypoxia inducible factor 1; minus strand). Cytogenetic location: 1q42.2.
Variant type: single nucleotide variant.
Coding change: c.1120C>T on transcript NM_022051.3 (MANE Select); coding-DNA position 1120, C replaced by T.
Protein change: p.His374Tyr; replaces histidine 374 with tyrosine.
Molecular consequence: missense variant. On other transcripts: intron variant (1).
Genome position (GRCh38, 1-based): chr1:231,370,590, G>A on the plus strand (C>T on the coding strand, the complement: EGLN1 is on the minus strand). VCF-style: chr1-231370590-G-A. GRCh37 (hg19) VCF-style: chr1-231506336-G-A.
Other names: c.1120C>T, p.His374Tyr (NM_001377260.1); c.1012-2954C>T (NM_001377261.1); short protein forms H374Y.
Identifiers: ClinVar variation 3843883 (VCV003843883.1).